The following is an entry in ClinVar:

NM_000059.4(BRCA2):c.7449T>G (p.Ser2483Arg)

Gene: BRCA2 (BRCA2 DNA repair associated; plus strand). Cytogenetic location: 13q13.1.
Variant type: single nucleotide variant.
Coding change: c.7449T>G on transcript NM_000059.4 (MANE Select); coding-DNA position 7449, T replaced by G.
Protein change: p.Ser2483Arg; replaces serine 2483 with arginine.
Molecular consequence: missense variant.
Genome position (GRCh38, 1-based): chr13:32,356,441, T>G. VCF-style: chr13-32356441-T-G. GRCh37 (hg19) VCF-style: chr13-32930578-T-G.
Other names: short protein forms S2483R.
Identifiers: ClinVar variation 569881 (VCV000569881.11), dbSNP rs1566241861, ClinGen allele CA387743039.
Genomic context (GRCh38, chr13:32,356,441, plus strand): 5'-TTTTTAAATTTCAATTTTATTTTTGCTAAGTATTTATTCTTTGATAGATTTAATTACAAG[T>G]CTTCAGAATGCCAGAGATATACAGGATATGCGAATTAAGAAGAAACAAAGGCAACGCGTC-3'
Protein context (NP_000050.3, residues 2473-2493): CEEEPLDLIT[Ser2483Arg]LQNARDIQDM

ClinVar aggregate classification (germline): Conflicting classifications of pathogenicity. Review status: criteria provided, conflicting classifications (1 of 4 stars). 3 submissions from 3 submitters: Uncertain significance (2); Likely benign (1). Last evaluated 2025-11-18.

Conditions:
Hereditary cancer-predisposing syndrome. Also called: Hereditary neoplastic syndrome; Tumor predisposition; Neoplastic Syndromes, Hereditary; Hereditary Cancer Syndrome. Identifiers: Orphanet 140162, MedGen C0027672, MeSH D009386, MONDO:0015356.
Hereditary breast ovarian cancer syndrome. Also called: Hereditary breast and ovarian cancer syndrome; Breast and ovarian cancer; Hereditary breast and ovarian cancer; Hereditary breast and/or ovarian cancer syndrome; Hereditary breast and ovarian cancer syndrome (HBOC); BRCA1- and BRCA2-Associated Hereditary Breast and Ovarian Cancer. Identifiers: Orphanet 145, MedGen C0677776, MeSH D061325, MONDO:0003582. Disease mechanism: loss of function.
Familial cancer of breast. Also called: hereditary breast carcinoma; BREAST CANCER, FAMILIAL; Hereditary breast cancer. Identifiers: Orphanet 227535, MedGen C0346153, MONDO:0016419, OMIM 114480. Disease mechanism: loss of function.

Submissions (3):

Labcorp Genetics (formerly Invitae), Labcorp
Classification: Uncertain significance for Hereditary breast ovarian cancer syndrome. Last evaluated: 2025-11-18. Review status: criteria provided, single submitter. Criteria: Invitae Variant Classification Sherloc (09022015). Collection method: clinical testing. Allele origin: germline.
Comment: This sequence change replaces serine, which is neutral and polar, with arginine, which is basic and polar, at codon 2483 of the BRCA2 protein (p.Ser2483Arg). This variant is not present in population databases (gnomAD no frequency). This variant has not been reported in the literature in individuals affected with BRCA2-related conditions. ClinVar contains an entry for this variant (Variation ID: 569881). Invitae Evidence Modeling of protein sequence and biophysical properties (such as structural, functional, and spatial information, amino acid conservation, physicochemical variation, residue mobility, and thermodynamic stability) indicates that this missense variant is not expected to disrupt BRCA2 protein function with a negative predictive value of 95%. In summary, the available evidence is currently insufficient to determine the role of this variant in disease. Therefore, it has been classified as a Variant of Uncertain Significance.

Ambry Genetics
Classification: Likely benign for Hereditary cancer-predisposing syndrome. Last evaluated: 2025-04-23. Review status: criteria provided, single submitter. Criteria: Ambry Variant Classification Scheme 2023. Collection method: clinical testing. Allele origin: germline.

Baylor Genetics
Classification: Uncertain significance for Familial cancer of breast. Last evaluated: 2023-12-28. Review status: criteria provided, single submitter. Criteria: ACMG Guidelines, 2015. Collection method: clinical testing. Allele origin: unknown.